The following is an entry in ClinVar:

NM_033004.4(NLRP1):c.3376G>A (p.Glu1126Lys)

Gene: NLRP1 (NLR family pyrin domain containing 1; minus strand). Cytogenetic location: 17p13.2.
Variant type: single nucleotide variant.
Coding change: c.3376G>A on transcript NM_033004.4 (MANE Select); coding-DNA position 3376, G replaced by A.
Protein change: p.Glu1126Lys; replaces glutamic acid 1126 with lysine.
Molecular consequence: missense variant.
Genome position (GRCh38, 1-based): chr17:5,530,625, C>T on the plus strand (G>A on the coding strand, the complement: NLRP1 is on the minus strand). VCF-style: chr17-5530625-C-T. GRCh37 (hg19) VCF-style: chr17-5433945-C-T.
Other names: c.3388G>A, p.Glu1130Lys (NM_001033053.3); c.3376G>A, p.Glu1126Lys (NM_014922.5); c.3286G>A, p.Glu1096Lys (NM_033006.4, NM_033007.4); short protein forms E1130K, E1096K, E1126K.
Identifiers: ClinVar variation 1916518 (VCV001916518.6), dbSNP rs368992059, ClinGen allele CA8326841.
Genomic context (GRCh38, chr17:5,530,625, plus strand): 5'-TCCAGCTGTGCTGTGGGTTGATCTCACCCAGGAACTGGTCCCACACACAGAATTCAATCT[C>T]AACGGTCACCGCTTCTCTCATCACAAAGCAGAGACCCGTGTTGGGCCAGCGGTAGGAGCC-3'
Protein context (NP_127497.1, residues 1116-1136): CFVMREAVTV[Glu1126Lys]IEFCVWDQFL

ClinVar aggregate classification (germline): Uncertain significance. Review status: criteria provided, multiple submitters, no conflicts (2 of 4 stars). 2 submissions from 2 submitters: Uncertain significance (2). Last evaluated 2025-08-24.

Conditions:
Inborn genetic diseases. Identifiers: MedGen C0950123, MeSH D030342.

Allele frequency attached by ClinVar (database versions not stated): ExAC 0.00001; gnomAD exomes 0.00001; gnomAD 0.00004; TOPMed 0.00005; ESP Exome Variant Server 0.00008.
gnomAD v4.1: 11 of 1,614,102 alleles (0.00068%); highest among the groups gnomAD compares: African/African-American, 0.015%; no homozygotes.

Submissions (2):

Labcorp Genetics (formerly Invitae), Labcorp
Classification: Uncertain significance. Last evaluated: 2025-08-24. Review status: criteria provided, single submitter. Criteria: Invitae Variant Classification Sherloc (09022015). Collection method: clinical testing. Allele origin: germline.
Comment: This sequence change replaces glutamic acid, which is acidic and polar, with lysine, which is basic and polar, at codon 1126 of the NLRP1 protein (p.Glu1126Lys). This variant is present in population databases (rs368992059, gnomAD 0.02%). This variant has not been reported in the literature in individuals affected with NLRP1-related conditions. ClinVar contains an entry for this variant (Variation ID: 1916518). An algorithm developed to predict the effect of missense changes on protein structure and function (PolyPhen-2) suggests that this variant is likely to be disruptive. In summary, the available evidence is currently insufficient to determine the role of this variant in disease. Therefore, it has been classified as a Variant of Uncertain Significance.

Ambry Genetics
Classification: Uncertain significance for Inborn genetic diseases. Last evaluated: 2024-03-31. Review status: criteria provided, single submitter. Criteria: Ambry Variant Classification Scheme 2023. Collection method: clinical testing. Allele origin: germline.